The following is an entry in ClinVar:

NM_017841.4(SDHAF2):c.382G>A (p.Ala128Thr)

Gene: SDHAF2 (succinate dehydrogenase complex assembly factor 2; plus strand). Cytogenetic location: 11q12.2.
Variant type: single nucleotide variant.
Coding change: c.382G>A on transcript NM_017841.4 (MANE Select); coding-DNA position 382, G replaced by A.
Protein change: p.Ala128Thr; replaces alanine 128 with threonine.
Molecular consequence: missense variant.
Genome position (GRCh38, 1-based): chr11:61,445,952, G>A. VCF-style: chr11-61445952-G-A. GRCh37 (hg19) VCF-style: chr11-61213424-G-A.
Other names: short protein forms A128T.
Identifiers: ClinVar variation 2870974 (VCV002870974.3), dbSNP rs1006514566, ClinGen allele CA222882456.

ClinVar aggregate classification (germline): Uncertain significance (1 of 4 stars; one submission).

Conditions:
Hereditary pheochromocytoma and paraganglioma. Also called: Hereditary paragangliomas and pheochromocytomas; Hereditary Paraganglioma-Pheochromocytoma Syndromes; Hereditary pheochromocytoma-paraganglioma. Identifiers: Orphanet 29072, MedGen C4274332, MONDO:0017366.

Submission:

Labcorp Genetics (formerly Invitae), Labcorp
Classification: Uncertain significance for Hereditary pheochromocytoma and paraganglioma. Last evaluated: 2023-09-21. Review status: criteria provided, single submitter. Criteria: Invitae Variant Classification Sherloc (09022015). Collection method: clinical testing. Allele origin: germline.
Comment: This sequence change replaces alanine, which is neutral and non-polar, with threonine, which is neutral and polar, at codon 128 of the SDHAF2 protein (p.Ala128Thr). This variant is not present in population databases (gnomAD no frequency). This variant has not been reported in the literature in individuals affected with SDHAF2-related conditions. An algorithm developed to predict the effect of missense changes on protein structure and function (PolyPhen-2) suggests that this variant is likely to be tolerated. In summary, the available evidence is currently insufficient to determine the role of this variant in disease. Therefore, it has been classified as a Variant of Uncertain Significance.